The following is an entry in ClinVar:

NM_020693.4(DSCAML1):c.2717G>A (p.Arg906His)

Gene: DSCAML1 (DS cell adhesion molecule like 1; minus strand). Cytogenetic location: 11q23.3.
Variant type: single nucleotide variant.
Coding change: c.2717G>A on transcript NM_020693.4 (MANE Select); coding-DNA position 2717, G replaced by A.
Protein change: p.Arg906His; replaces arginine 906 with histidine.
Molecular consequence: missense variant.
Genome position (GRCh38, 1-based): chr11:117,480,511, C>T on the plus strand (G>A on the coding strand, the complement: DSCAML1 is on the minus strand). VCF-style: chr11-117480511-C-T. GRCh37 (hg19) VCF-style: chr11-117351226-C-T.
Other names: c.2717G>A, p.Arg906His (NM_001367904.1); short protein forms R906H.
Identifiers: ClinVar variation 2171293 (VCV002171293.4), dbSNP rs781591687, ClinGen allele CA6296901.
Genomic context (GRCh38, chr11:117,480,511, plus strand): 5'-TTCTTGTATTCAATGTCGAAGCCCGTGATGATGCTGTTCCCGTCGAATCGCTGGGTCCAG[C>T]GCAGGTTCATGCTCCGGGCCTTCACCTCCCGGATCTCCAGCTCTGGGGGGTCGGGGGGCT-3'
Protein context (NP_065744.3, residues 896-916): REVKARSMNL[Arg906His]WTQRFDGNSI

ClinVar aggregate classification (germline): Uncertain significance (1 of 4 stars; one submission).

Allele frequency attached by ClinVar (database versions not stated): TOPMed 0.00002; gnomAD 0.00003; ExAC 0.00012; 1000 Genomes Project 30x 0.00031.
gnomAD v4.1: 55 of 1,605,644 alleles (0.0034%); highest among the groups gnomAD compares: South Asian, 0.045%; no homozygotes.

Submission:

Labcorp Genetics (formerly Invitae), Labcorp
Classification: Uncertain significance. Last evaluated: 2023-11-27. Review status: criteria provided, single submitter. Criteria: Invitae Variant Classification Sherloc (09022015). Collection method: clinical testing. Allele origin: germline.
Comment: This sequence change replaces arginine, which is basic and polar, with histidine, which is basic and polar, at codon 966 of the DSCAML1 protein (p.Arg966His). This variant is present in population databases (rs781591687, gnomAD 0.05%). This variant has not been reported in the literature in individuals affected with DSCAML1-related conditions. ClinVar contains an entry for this variant (Variation ID: 2171293). An algorithm developed to predict the effect of missense changes on protein structure and function (PolyPhen-2) suggests that this variant is likely to be disruptive. In summary, the available evidence is currently insufficient to determine the role of this variant in disease. Therefore, it has been classified as a Variant of Uncertain Significance.